The following is an entry in ClinVar:

ClinVar aggregate classification (germline): Uncertain significance. Review status: criteria provided, multiple submitters, no conflicts (2 of 4 stars). 2 submissions from 2 submitters: Uncertain significance (2). Last evaluated 2024-07-15.

Conditions:
Gorlin syndrome. Also called: Nevoid Basal Cell Carcinoma Syndrome; Basal cell nevus syndrome. Identifiers: Orphanet 377, MedGen C0004779, MONDO:0007187.
Hereditary cancer-predisposing syndrome. Also called: Hereditary neoplastic syndrome; Tumor predisposition; Neoplastic Syndromes, Hereditary; Hereditary Cancer Syndrome. Identifiers: Orphanet 140162, MedGen C0027672, MeSH D009386, MONDO:0015356.

Submissions (2):

Labcorp Genetics (formerly Invitae), Labcorp
Classification: Uncertain significance for Gorlin syndrome. Last evaluated: 2024-07-15. Review status: criteria provided, single submitter. Criteria: Invitae Variant Classification Sherloc (09022015). Collection method: clinical testing. Allele origin: germline.
Comment: This sequence change replaces glycine, which is neutral and non-polar, with valine, which is neutral and non-polar, at codon 1299 of the PTCH1 protein (p.Gly1299Val). This variant is not present in population databases (gnomAD no frequency). This variant has not been reported in the literature in individuals affected with PTCH1-related conditions. ClinVar contains an entry for this variant (Variation ID: 2452387). Advanced modeling of protein sequence and biophysical properties (such as structural, functional, and spatial information, amino acid conservation, physicochemical variation, residue mobility, and thermodynamic stability) performed at Invitae indicates that this missense variant is not expected to disrupt PTCH1 protein function with a negative predictive value of 95%. In summary, the available evidence is currently insufficient to determine the role of this variant in disease. Therefore, it has been classified as a Variant of Uncertain Significance.

Ambry Genetics
Classification: Uncertain significance for Hereditary cancer-predisposing syndrome. Last evaluated: 2022-11-17. Review status: criteria provided, single submitter. Criteria: Ambry Variant Classification Scheme 2023. Collection method: clinical testing. Allele origin: germline.
Comment: The p.G1299V variant (also known as c.3896G>T), located in coding exon 23 of the PTCH1 gene, results from a G to T substitution at nucleotide position 3896. The glycine at codon 1299 is replaced by valine, an amino acid with dissimilar properties. This amino acid position is conserved. In addition, this alteration is predicted to be tolerated by in silico analysis. Since supporting evidence is limited at this time, the clinical significance of this alteration remains unclear.

NM_000264.5(PTCH1):c.3896G>T (p.Gly1299Val)

Gene: PTCH1 (patched 1; minus strand). Cytogenetic location: 9q22.32.
Variant type: single nucleotide variant.
Coding change: c.3896G>T on transcript NM_000264.5 (MANE Select); coding-DNA position 3896, G replaced by T.
Protein change: p.Gly1299Val; replaces glycine 1299 with valine.
Molecular consequence: missense variant. On other transcripts: non-coding transcript variant (1).
Genome position (GRCh38, 1-based): chr9:95,447,360, C>A on the plus strand (G>T on the coding strand, the complement: PTCH1 is on the minus strand). VCF-style: chr9-95447360-C-A. GRCh37 (hg19) VCF-style: chr9-98209642-C-A.
Other names: c.3698G>T, p.Gly1233Val (NM_001083602.3); c.3893G>T, p.Gly1298Val (NM_001083603.3); c.3443G>T, p.Gly1148Val (NM_001083604.3, NM_001083605.3, NM_001083606.3 and 1 more transcripts); c.3740G>T, p.Gly1247Val (NM_001354918.2); short protein forms G1148V, G1247V, G1233V, G1299V, G1298V.
Identifiers: ClinVar variation 2452387 (VCV002452387.4), dbSNP rs773133083, ClinGen allele CA374110704.